The following is an entry in ClinVar:

ClinVar aggregate classification (germline): Pathogenic (1 of 4 stars; one submission).

Submission:

Labcorp Genetics (formerly Invitae), Labcorp
Classification: Pathogenic. Last evaluated: 2023-10-16. Review status: criteria provided, single submitter. Criteria: Invitae Variant Classification Sherloc (09022015). Collection method: clinical testing. Allele origin: germline.
Comment: This sequence change creates a premature translational stop signal (p.Ser667*) in the ITGB3 gene. It is expected to result in an absent or disrupted protein product. Loss-of-function variants in ITGB3 are known to be pathogenic (PMID: 21917754). This variant is not present in population databases (gnomAD no frequency). This variant has not been reported in the literature in individuals affected with ITGB3-related conditions. For these reasons, this variant has been classified as Pathogenic.

Literature cited by the submitters: PubMed 21917754.

NM_000212.3(ITGB3):c.2000_2003del (p.Glu666_Ser667insTer)

Gene: ITGB3 (integrin subunit beta 3; plus strand). Cytogenetic location: 17q21.32.
Variant type: Deletion.
Coding change: c.2000_2003del on transcript NM_000212.3 (MANE Select); coding-DNA positions 2000 to 2003, 4 bases deleted (CAGT; older notation c.2000_2003delCAGT).
Protein change: p.Glu666_Ser667insTer.
Molecular consequence: nonsense.
Genome position (GRCh38, 1-based): chr17:47,300,564-47,300,567, CAGT deleted; deleting any 4 consecutive bases within chr17:47,300,561-47,300,567 gives the same sequence; the c. name uses the placement nearest the transcript's 3' end. VCF-style (leftmost placement, unchanged base first): chr17-47300560-GAGTC-G. GRCh37 (hg19) VCF-style: chr17-45377926-GAGTC-G.
Identifiers: ClinVar variation 2899038 (VCV002899038.3), dbSNP rs2547621638, ClinGen allele CA2739268189.